The following is an entry in ClinVar:

NM_000426.4(LAMA2):c.7572+2T>G

Gene: LAMA2 (laminin subunit alpha 2; plus strand). Cytogenetic location: 6q22.33.
Variant type: single nucleotide variant.
Coding change: c.7572+2T>G on transcript NM_000426.4 (MANE Select); the canonical splice donor site of the intron after coding-DNA position 7572, T replaced by G.
Molecular consequence: splice donor variant.
Genome position (GRCh38, 1-based): chr6:129,478,815, T>G. VCF-style: chr6-129478815-T-G. GRCh37 (hg19) VCF-style: chr6-129799960-T-G.
Other names: c.7560+2T>G (NM_001079823.2).
Identifiers: ClinVar variation 2113935 (VCV002113935.4), dbSNP rs2114834693, ClinGen allele CA365627077.

ClinVar aggregate classification (germline): Pathogenic (1 of 4 stars; one submission).

Conditions:
LAMA2-related muscular dystrophy (LAMA2-RD). Also called: Laminin alpha 2-related dystrophy. Identifiers: MedGen C5679788, MONDO:0100228.

Submission:

Labcorp Genetics (formerly Invitae), Labcorp
Classification: Pathogenic for LAMA2-related muscular dystrophy. Last evaluated: 2022-04-14. Review status: criteria provided, single submitter. Criteria: Invitae Variant Classification Sherloc (09022015). Collection method: clinical testing. Allele origin: germline.
Comment: For these reasons, this variant has been classified as Pathogenic. Algorithms developed to predict the effect of sequence changes on RNA splicing suggest that this variant may disrupt the consensus splice site. Disruption of this splice site has been observed in individual(s) with congenital muscular dystrophy (PMID: 30055037, 32266982). In at least one individual the data is consistent with being in trans (on the opposite chromosome) from a pathogenic variant. This variant is not present in population databases (gnomAD no frequency). This sequence change affects a donor splice site in intron 54 of the LAMA2 gene. It is expected to disrupt RNA splicing. Variants that disrupt the donor or acceptor splice site typically lead to a loss of protein function (PMID: 16199547), and loss-of-function variants in LAMA2 are known to be pathogenic (PMID: 18700894, 32904964).

Literature cited by the submitters: PubMed 30055037; PubMed 32266982; PubMed 16199547; PubMed 18700894; PubMed 32904964.